The following is an entry in ClinVar:

NM_018082.6(POLR3B):c.1277T>C (p.Leu426Ser)

Gene: POLR3B (RNA polymerase III subunit B; plus strand). Cytogenetic location: 12q23.3.
Variant type: single nucleotide variant.
Coding change: c.1277T>C on transcript NM_018082.6 (MANE Select); coding-DNA position 1277, T replaced by C.
Protein change: p.Leu426Ser; replaces leucine 426 with serine.
Molecular consequence: missense variant.
Genome position (GRCh38, 1-based): chr12:106,430,286, T>C. VCF-style: chr12-106430286-T-C. GRCh37 (hg19) VCF-style: chr12-106824064-T-C.
Other names: c.1103T>C, p.Leu368Ser (NM_001160708.2); short protein forms L368S, L426S.
Identifiers: ClinVar variation 1048117 (VCV001048117.1), dbSNP rs2037490138, ClinGen allele CA386388887.

ClinVar aggregate classification (germline): Likely pathogenic (1 of 4 stars; one submission).

Submission:

GeneDx
Classification: Likely pathogenic. Last evaluated: 2020-12-01. Review status: criteria provided, single submitter. Criteria: GeneDx Variant Classification (06012015). Collection method: clinical testing. Allele origin: germline. Affected: yes.
Comment: Not observed in large population cohorts (Lek et al., 2016). In silico analysis supports that this missense variant has a deleterious effect on protein structure/function. We interpret L426S as a likely pathogenic variant